The following is an entry in ClinVar:

ClinVar aggregate classification (germline): Likely pathogenic (1 of 4 stars; one submission).

Conditions:
Hyper-IgM syndrome type 1. Also called: Hyper-IgM Immunodeficiency Syndrome, Type 1; CD40 Ligand Deficiency; Immunodeficiency, X-linked, with hyper-IgM; X-linked hyper-IgM syndrome. Identifiers: Orphanet 101088, MedGen C0398689, MONDO:0010626, OMIM 308230.

Submission:

Women's Health and Genetics/Laboratory Corporation of America, LabCorp
Classification: Likely pathogenic for Hyper IgM Syndrome Type 1. Last evaluated: 2011-08-18. Review status: criteria provided, single submitter. Criteria: LabCorp Variant Classification Summary - May 2015. Collection method: curation, clinical testing. Allele origin: germline. Inheritance: Xlinked unknown. Affected: yes.
ClinVar note: Converted during submission from likely pathogenic to Likely pathogenic.

NM_000074.3(CD40LG):c.189del (p.Phe63fs)

Gene: CD40LG (CD40 ligand; plus strand). Cytogenetic location: Xq26.3.
Variant type: Deletion.
Coding change: c.189del on transcript NM_000074.3 (MANE Select); coding-DNA position 189, one base deleted (T; older notation c.189delT).
Protein change: p.Phe63fs; shifts the reading frame from phenylalanine 63.
Molecular consequence: frameshift variant.
Genome position (GRCh38, 1-based): chrX:136,650,298, T deleted; the last of 4 consecutive T bases (chrX:136,650,295-136,650,298); deleting any one gives the same sequence. VCF-style (leftmost placement, unchanged base first): chrX-136650294-AT-A. GRCh37 (hg19) VCF-style: chrX-135732453-AT-A.
Other names: c.189delT (NM_000074.2); short protein forms F63fs.
Identifiers: ClinVar variation 35811 (VCV000035811.3), dbSNP rs193922134, ClinGen allele CA260202.